The following is an entry in ClinVar:

NM_001904.4(CTNNB1):c.1325G>A (p.Gly442Asp)

Genes: CTNNB1 (catenin beta 1; plus strand), LOC126806659 (BRD4-independent group 4 enhancer GRCh37_chr3:41274918-41276117; plus strand). Cytogenetic location: 3p22.1.
Variant type: single nucleotide variant.
Coding change: c.1325G>A on transcript NM_001904.4 (MANE Select); coding-DNA position 1325, G replaced by A.
Protein change: p.Gly442Asp; replaces glycine 442 with aspartic acid.
Molecular consequence: missense variant.
Genome position (GRCh38, 1-based): chr3:41,233,668, G>A. VCF-style: chr3-41233668-G-A. GRCh37 (hg19) VCF-style: chr3-41275159-G-A.
Other names: c.1325G>A, p.Gly442Asp (NM_001098209.2, NM_001098210.2, NM_001438871.1 and 4 more transcripts); c.1304G>A, p.Gly435Asp (NM_001330729.2); short protein forms G435D, G442D.
Identifiers: ClinVar variation 4879817 (VCV004879817.1).

ClinVar aggregate classification (germline): Uncertain significance (1 of 4 stars; one submission).

Conditions:
CTNNB1-related neurodevelopmental disorder and/or vitreoretinopathy. Identifiers: MedGen CN377755, MONDO:0100571.

gnomAD v4.1: 1 of 1,614,150 alleles (0.000062%); highest among the groups gnomAD compares: Non-Finnish European, 0.000085%; no homozygotes.

Submission:

Victorian Clinical Genetics Services, Murdoch Childrens Research Institute
Classification: Uncertain significance for CTNNB1-related neurodevelopmental disorder and/or vitreoretinopathy. Last evaluated: 2026-07-22. Review status: criteria provided, single submitter. Criteria: ACMG Guidelines, 2015. Collection method: clinical testing. Allele origin: germline. Affected: yes.
Comment: This variant is classified as VUS-3A. Evidence in support of pathogenic classification: This variant is present in gnomAD <0.001 for a dominant condition (v4: 1 heterozygote(s), 0 homozygote(s)); Missense variant predicted to be damaging by in silico tool(s) and/or highly conserved with a major amino acid change. Additional information: This variant is predicted to result in a missense amino acid change from Gly to Asp; This variant is heterozygous; This gene is associated with autosomal dominant disease; Alternative amino acid change(s) at the same position are present in gnomAD (highest allele count: v4: 3 heterozygote(s), 0 homozygote(s)); This variant has no previous evidence of pathogenicity; No published evidence of segregation with disease has been identified for this variant; No published functional evidence has been identified for this variant; Another variant(s) comparable to the one identified in this case has inconclusive previous evidence for pathogenicity. p.(Gly442Ala) has been classified as VUS by a clinical laboratory in ClinVar; Variant is located in the annotated armadillo/beta-catenin-like repeat (DECIPHER); Loss of function is a known mechanism of disease in this gene and is associated with CTNNB1-related neurodevelopmental disorder and/or vitreoretinopathy (MONDO:0100571). However, somatic variants with a gain of function mechanism have been reported to cause cancer (OMIM).